The following is an entry in ClinVar:

ClinVar aggregate classification (germline): Uncertain significance (1 of 4 stars; one submission).

Submission:

Labcorp Genetics (formerly Invitae), Labcorp
Classification: Uncertain significance. Last evaluated: 2024-09-09. Review status: criteria provided, single submitter. Criteria: Invitae Variant Classification Sherloc (09022015). Collection method: clinical testing. Allele origin: germline.
Comment: This sequence change replaces threonine, which is neutral and polar, with lysine, which is basic and polar, at codon 806 of the CSF2RB protein (p.Thr806Lys). This variant is not present in population databases (gnomAD no frequency). This variant has not been reported in the literature in individuals affected with CSF2RB-related conditions. Invitae Evidence Modeling of protein sequence and biophysical properties (such as structural, functional, and spatial information, amino acid conservation, physicochemical variation, residue mobility, and thermodynamic stability) indicates that this missense variant is not expected to disrupt CSF2RB protein function with a negative predictive value of 80%. In summary, the available evidence is currently insufficient to determine the role of this variant in disease. Therefore, it has been classified as a Variant of Uncertain Significance.

NM_000395.3(CSF2RB):c.2417C>A (p.Thr806Lys)

Gene: CSF2RB (colony stimulating factor 2 receptor subunit beta; plus strand). Cytogenetic location: 22q12.3.
Variant type: single nucleotide variant.
Coding change: c.2417C>A on transcript NM_000395.3 (MANE Select); coding-DNA position 2417, C replaced by A.
Protein change: p.Thr806Lys; replaces threonine 806 with lysine.
Molecular consequence: missense variant.
Genome position (GRCh38, 1-based): chr22:36,938,225, C>A. VCF-style: chr22-36938225-C-A. GRCh37 (hg19) VCF-style: chr22-37334267-C-A.
Other names: c.2435C>A, p.Thr812Lys (NM_001410827.1); short protein forms T806K, T812K.
Identifiers: ClinVar variation 3683267 (VCV003683267.2).